The following is an entry in ClinVar:

ClinVar aggregate classification (germline): Likely benign (1 of 4 stars; one submission).

Allele frequency attached by ClinVar (database versions not stated): gnomAD 0.00003; TOPMed 0.00003; gnomAD exomes 0.00006; ESP Exome Variant Server 0.00008; ExAC 0.00015.
gnomAD v4.1: 96 of 1,613,954 alleles (0.0059%); highest among the groups gnomAD compares: Non-Finnish European, 0.007%; no homozygotes.

Submission:

CeGaT Center for Human Genetics Tuebingen
Classification: Likely benign. Last evaluated: 2024-03-01. Review status: criteria provided, single submitter. Criteria: CeGaT Center For Human Genetics Tuebingen Variant Classification Criteria Version 2. Collection method: clinical testing. Allele origin: germline. Affected: yes. Observed: 1 variant allele.
Comment: KCNN3: BP4, BP7

NM_002249.6(KCNN3):c.1119C>T (p.Cys373=)

Gene: KCNN3 (potassium calcium-activated channel subfamily N member 3; minus strand). Cytogenetic location: 1q21.3.
Variant type: single nucleotide variant.
Coding change: c.1119C>T on transcript NM_002249.6 (MANE Select); coding-DNA position 1119, C replaced by T.
Protein change: p.Cys373=; no amino-acid change (cysteine 373 retained).
Molecular consequence: synonymous variant.
Genome position (GRCh38, 1-based): chr1:154,772,304, G>A on the plus strand (C>T on the coding strand, the complement: KCNN3 is on the minus strand). VCF-style: chr1-154772304-G-A. GRCh37 (hg19) VCF-style: chr1-154744780-G-A.
Other names: c.1119C>T, p.Cys373= (NM_001204087.2); c.180C>T, p.Cys60= (NM_001365837.1, NM_001365838.1); c.204C>T, p.Cys68= (NM_170782.3).
Identifiers: ClinVar variation 3234369 (VCV003234369.20), dbSNP rs144038732, ClinGen allele CA1132131.